The following is an entry in ClinVar:

NM_000368.5(TSC1):c.1286G>C (p.Arg429Thr)

Gene: TSC1 (TSC complex subunit 1; minus strand). Cytogenetic location: 9q34.13.
Variant type: single nucleotide variant.
Coding change: c.1286G>C on transcript NM_000368.5 (MANE Select); coding-DNA position 1286, G replaced by C.
Protein change: p.Arg429Thr; replaces arginine 429 with threonine.
Molecular consequence: missense variant.
Genome position (GRCh38, 1-based): chr9:132,907,348, C>G on the plus strand (G>C on the coding strand, the complement: TSC1 is on the minus strand). VCF-style: chr9-132907348-C-G. GRCh37 (hg19) VCF-style: chr9-135782735-C-G.
Other names: c.1283G>C, p.Arg428Thr (NM_001162426.2); c.1133G>C, p.Arg378Thr (NM_001162427.2); c.923G>C, p.Arg308Thr (NM_001362177.2); short protein forms R429T, R378T, R308T, R428T.
Identifiers: ClinVar variation 846288 (VCV000846288.10), dbSNP rs1845727586, ClinGen allele CA375366179.

ClinVar aggregate classification (germline): Uncertain significance. Review status: criteria provided, multiple submitters, no conflicts (2 of 4 stars). 2 submissions from 2 submitters: Uncertain significance (2). Last evaluated 2025-04-07.

Conditions:
Tuberous sclerosis 1 (TSC1). Identifiers: Orphanet 805, MedGen C1854465, MONDO:0008612, OMIM 191100.
Hereditary cancer-predisposing syndrome. Also called: Neoplastic Syndromes, Hereditary; Hereditary neoplastic syndrome; Tumor predisposition; Hereditary Cancer Syndrome. Identifiers: Orphanet 140162, MedGen C0027672, MeSH D009386, MONDO:0015356.

Submissions (2):

Ambry Genetics
Classification: Uncertain significance for Hereditary cancer-predisposing syndrome. Last evaluated: 2025-04-07. Review status: criteria provided, single submitter. Criteria: Ambry Variant Classification Scheme 2023. Collection method: clinical testing. Allele origin: germline.
Comment: The p.R429T variant (also known as c.1286G>C), located in coding exon 11 of the TSC1 gene, results from a G to C substitution at nucleotide position 1286. The arginine at codon 429 is replaced by threonine, an amino acid with similar properties. This amino acid position is conserved. In addition, the in silico prediction for this alteration is inconclusive. Based on the available evidence, the clinical significance of this variant remains unclear.

Labcorp Genetics (formerly Invitae), Labcorp
Classification: Uncertain significance for Tuberous sclerosis 1. Last evaluated: 2019-02-17. Review status: criteria provided, single submitter. Criteria: Invitae Variant Classification Sherloc (09022015). Collection method: clinical testing. Allele origin: germline.
Comment: In summary, the available evidence is currently insufficient to determine the role of this variant in disease. Therefore, it has been classified as a Variant of Uncertain Significance. Algorithms developed to predict the effect of missense changes on protein structure and function are either unavailable or do not agree on the potential impact of this missense change (SIFT: "Tolerated"; PolyPhen-2: "Possibly Damaging"; Align-GVGD: "Class C0"). This variant has not been reported in the literature in individuals with TSC1-related conditions. This variant is not present in population databases (ExAC no frequency). This sequence change replaces arginine with threonine at codon 429 of the TSC1 protein (p.Arg429Thr). The arginine residue is moderately conserved and there is a moderate physicochemical difference between arginine and threonine.